The following is an entry in ClinVar:

NM_016284.5(CNOT1):c.97_102del (p.Gln33_His34del)

Gene: CNOT1 (CCR4-NOT transcription complex subunit 1; minus strand). Cytogenetic location: 16q21.
Variant type: Deletion.
Coding change: c.97_102del on transcript NM_016284.5 (MANE Select); coding-DNA positions 97 to 102, 6 bases deleted (CAGCAT; older notation c.97_102delCAGCAT).
Protein change: p.Gln33_His34del.
Molecular consequence: inframe deletion. On other transcripts: non-coding transcript variant (1).
Genome position (GRCh38, 1-based): chr16:58,599,236-58,599,241, ATGCTG deleted on the plus strand (CAGCAT on the coding strand, the reverse complement: CNOT1 is on the minus strand). VCF-style (leftmost placement, unchanged base first): chr16-58599235-CATGCTG-C. GRCh37 (hg19) VCF-style: chr16-58633139-CATGCTG-C.
Other names: c.97_102del, p.Gln33_His34del (NM_001265612.2, NM_206999.3).
Identifiers: ClinVar variation 3368089 (VCV003368089.1).
Genomic context (GRCh38, chr16:58,599,235, plus strand): 5'-TTTTCTTTCCACTGTCTACTCATTCCTTTAATGGCACTTGTTTTCTGGCTAGTTTACTTA[CATGCTG>C]TATTTCCTGCTGGCTGGCTCGGTAATTTTTCTTGGTTAAATTGTCCACCAGGTAGCTGAT-3'

ClinVar aggregate classification (germline): Uncertain significance (1 of 4 stars; one submission).

Submission:

GeneDx
Classification: Uncertain significance. Last evaluated: 2024-01-25. Review status: criteria provided, single submitter. Criteria: GeneDx Variant Classification Process June 2021. Collection method: clinical testing. Allele origin: germline. Affected: yes.
Comment: In-frame deletion of 2 amino acids in a non-repeat region; Not observed at significant frequency in large population cohorts (gnomAD); In silico analysis supports a deleterious effect on protein structure/function; Has not been previously published as pathogenic or benign to our knowledge